The following is an entry in ClinVar:

ClinVar aggregate classification (germline): Uncertain significance (1 of 4 stars; one submission).

Conditions:
Emery-Dreifuss muscular dystrophy 5, autosomal dominant (EDMD5). Also called: EMERY-DREIFUSS MUSCULAR DYSTROPHY 5. Identifiers: Orphanet 261, MedGen C2751805, MONDO:0013072, OMIM 612999.

Allele frequency attached by ClinVar (database versions not stated): gnomAD exomes below 0.00001; TOPMed below 0.00001; ExAC 0.00001; gnomAD 0.00001; 1000 Genomes Project 30x 0.00016; 1000 Genomes Project 0.00020.
gnomAD v4.1: 3 of 1,614,114 alleles (0.00019%); highest among the groups gnomAD compares: African/African-American, 0.004%; no homozygotes.

Submission:

Labcorp Genetics (formerly Invitae), Labcorp
Classification: Uncertain significance for Emery-Dreifuss muscular dystrophy 5, autosomal dominant. Last evaluated: 2021-06-16. Review status: criteria provided, single submitter. Criteria: Invitae Variant Classification Sherloc (09022015). Collection method: clinical testing. Allele origin: germline.
Comment: In summary, the available evidence is currently insufficient to determine the role of this variant in disease. Therefore, it has been classified as a Variant of Uncertain Significance. Algorithms developed to predict the effect of missense changes on protein structure and function are either unavailable or do not agree on the potential impact of this missense change (SIFT: "Tolerated"; PolyPhen-2: "Possibly Damaging"; Align-GVGD: "Class C0"). This variant has not been reported in the literature in individuals with SYNE2-related conditions. This variant is present in population databases (rs200347797, ExAC 0.01%). This sequence change replaces isoleucine with threonine at codon 5069 of the SYNE2 protein (p.Ile5069Thr). The isoleucine residue is weakly conserved and there is a moderate physicochemical difference between isoleucine and threonine.

NM_182914.3(SYNE2):c.15206T>C (p.Ile5069Thr)

Gene: SYNE2 (spectrin repeat containing nuclear envelope protein 2; plus strand). Cytogenetic location: 14q23.2.
Variant type: single nucleotide variant.
Coding change: c.15206T>C on transcript NM_182914.3 (MANE Select); coding-DNA position 15206, T replaced by C.
Protein change: p.Ile5069Thr; replaces isoleucine 5069 with threonine.
Molecular consequence: missense variant.
Genome position (GRCh38, 1-based): chr14:64,141,988, T>C. VCF-style: chr14-64141988-T-C. GRCh37 (hg19) VCF-style: chr14-64608706-T-C.
Other names: c.15206T>C, p.Ile5069Thr (NM_015180.6); short protein forms I5069T.
Identifiers: ClinVar variation 1437883 (VCV001437883.8), dbSNP rs200347797, ClinGen allele CA7223018.